The following is an entry in ClinVar:

NM_024598.4(USB1):c.407C>T (p.Pro136Leu)

Gene: USB1 (U6 snRNA biogenesis phosphodiesterase 1; plus strand). Cytogenetic location: 16q21.
Variant type: single nucleotide variant.
Coding change: c.407C>T on transcript NM_024598.4 (MANE Select); coding-DNA position 407, C replaced by T.
Protein change: p.Pro136Leu; replaces proline 136 with leucine.
Molecular consequence: missense variant.
Genome position (GRCh38, 1-based): chr16:58,010,070, C>T. VCF-style: chr16-58010070-C-T. GRCh37 (hg19) VCF-style: chr16-58043974-C-T.
Other names: c.407C>T, p.Pro136Leu (NM_001195302.2, NM_001204911.2, NM_001330569.2); c.254C>T, p.Pro85Leu (NM_001330568.2); short protein forms P136L, P85L.
Identifiers: ClinVar variation 3813905 (VCV003813905.1).
Genomic context (GRCh38, chr16:58,010,070, plus strand): 5'-TGAAGGTGTTCCACCTCAGCCTGTCCCAGAGTGTGGTTCTGCGCCACCACTGGATCCTCC[C>T]CTTCGTGCAGGCTCTGAAAGCCCGTATGACCTCCTTCCACAGGTGAGTGCTTCTTCCCTC-3'
Protein context (NP_078874.2, residues 126-146): SVVLRHHWIL[Pro136Leu]FVQALKARMT

ClinVar aggregate classification (germline): Uncertain significance (1 of 4 stars; one submission).

Conditions:
Inborn genetic diseases. Identifiers: MedGen C0950123, MeSH D030342.

gnomAD v4.1: 17 of 1,614,132 alleles (0.0011%); highest among the groups gnomAD compares: Non-Finnish European, 0.0014%; no homozygotes.

Submission:

Ambry Genetics
Classification: Uncertain significance for Inborn genetic diseases. Last evaluated: 2025-02-24. Review status: criteria provided, single submitter. Criteria: Ambry Variant Classification Scheme 2023. Collection method: clinical testing. Allele origin: germline.
Comment: The p.P136L variant (also known as c.407C>T), located in coding exon 3 of the USB1 gene, results from a C to T substitution at nucleotide position 407. The proline at codon 136 is replaced by leucine, an amino acid with similar properties. This amino acid position is conserved. In addition, the in silico prediction for this alteration is inconclusive. Based on the available evidence, the clinical significance of this variant remains unclear.